The following is an entry in ClinVar:

NM_001089.3(ABCA3):c.4772A>T (p.Gln1591Leu)

Gene: ABCA3 (ATP binding cassette subfamily A member 3; minus strand). Cytogenetic location: 16p13.3.
Variant type: single nucleotide variant.
Coding change: c.4772A>T on transcript NM_001089.3 (MANE Select); coding-DNA position 4772, A replaced by T.
Protein change: p.Gln1591Leu; replaces glutamine 1591 with leucine.
Molecular consequence: missense variant.
Genome position (GRCh38, 1-based): chr16:2,278,016, T>A on the plus strand (A>T on the coding strand, the complement: ABCA3 is on the minus strand). VCF-style: chr16-2278016-T-A. GRCh37 (hg19) VCF-style: chr16-2328017-T-A.
Other names: short protein forms Q1591L.
Identifiers: ClinVar variation 4745606 (VCV004745606.1).

ClinVar aggregate classification (germline): Uncertain significance (1 of 4 stars; one submission).

Submission:

Labcorp Genetics (formerly Invitae), Labcorp
Classification: Uncertain significance. Last evaluated: 2025-04-12. Review status: criteria provided, single submitter. Criteria: Invitae Variant Classification Sherloc (09022015). Collection method: clinical testing. Allele origin: germline.
Comment: This sequence change replaces glutamine, which is neutral and polar, with leucine, which is neutral and non-polar, at codon 1591 of the ABCA3 protein (p.Gln1591Leu). This variant is not present in population databases (gnomAD no frequency). This variant has not been reported in the literature in individuals affected with ABCA3-related conditions. Invitae Evidence Modeling of protein sequence and biophysical properties (such as structural, functional, and spatial information, amino acid conservation, physicochemical variation, residue mobility, and thermodynamic stability) indicates that this missense variant is expected to disrupt ABCA3 protein function with a positive predictive value of 80%. In summary, the available evidence is currently insufficient to determine the role of this variant in disease. Therefore, it has been classified as a Variant of Uncertain Significance.